The following is an entry in ClinVar:

NM_024537.4(CARS2):c.1295G>T (p.Gly432Val)

Gene: CARS2 (cysteinyl-tRNA synthetase 2, mitochondrial; minus strand). Cytogenetic location: 13q34.
Variant type: single nucleotide variant.
Coding change: c.1295G>T on transcript NM_024537.4 (MANE Select); coding-DNA position 1295, G replaced by T.
Protein change: p.Gly432Val; replaces glycine 432 with valine.
Molecular consequence: missense variant. On other transcripts: non-coding transcript variant (2).
Genome position (GRCh38, 1-based): chr13:110,645,989, C>A on the plus strand (G>T on the coding strand, the complement: CARS2 is on the minus strand). VCF-style: chr13-110645989-C-A. GRCh37 (hg19) VCF-style: chr13-111298336-C-A.
Other names: c.509G>T, p.Gly170Val (NM_001352252.2); short protein forms G432V, G170V.
Identifiers: ClinVar variation 2065377 (VCV002065377.4), dbSNP rs2501781702, ClinGen allele CA388743506.
Genomic context (GRCh38, chr13:110,645,989, plus strand): 5'-GGCAGCAGGACCGCAAGGCCACCTGTTCGTTGAGCTACCTTCAGGGACGCCCTGAGCTGT[C>A]CATTCCCGTGGTGTGCAAGGCCCAGGATGGCATCAACCACCCTGGGTGTGTCAAAATCAT-3'
Protein context (NP_078813.1, residues 422-442): AILGLAHHGN[Gly432Val]QLRASLKEPE

ClinVar aggregate classification (germline): Uncertain significance (1 of 4 stars; one submission).

Conditions:
Combined oxidative phosphorylation defect type 27. Also called: Combined oxidative phosphorylation deficiency 27. Identifiers: Orphanet 477774, MedGen C5567608, MONDO:0014728, OMIM 616672.

Submission:

Labcorp Genetics (formerly Invitae), Labcorp
Classification: Uncertain significance for Combined oxidative phosphorylation defect type 27. Last evaluated: 2021-12-29. Review status: criteria provided, single submitter. Criteria: Invitae Variant Classification Sherloc (09022015). Collection method: clinical testing. Allele origin: germline.
Comment: In summary, the available evidence is currently insufficient to determine the role of this variant in disease. Therefore, it has been classified as a Variant of Uncertain Significance. Algorithms developed to predict the effect of missense changes on protein structure and function (SIFT, PolyPhen-2, Align-GVGD) all suggest that this variant is likely to be tolerated. This sequence change replaces glycine, which is neutral and non-polar, with valine, which is neutral and non-polar, at codon 432 of the CARS2 protein (p.Gly432Val). This variant is not present in population databases (gnomAD no frequency). This variant has not been reported in the literature in individuals affected with CARS2-related conditions.